The following is an entry in ClinVar:

NM_015557.3(CHD5):c.1261G>C (p.Val421Leu)

Gene: CHD5 (chromodomain helicase DNA binding protein 5; minus strand). Cytogenetic location: 1p36.31.
Variant type: single nucleotide variant.
Coding change: c.1261G>C on transcript NM_015557.3 (MANE Select); coding-DNA position 1261, G replaced by C.
Protein change: p.Val421Leu; replaces valine 421 with leucine.
Molecular consequence: missense variant.
Genome position (GRCh38, 1-based): chr1:6,148,976, C>G on the plus strand (G>C on the coding strand, the complement: CHD5 is on the minus strand). VCF-style: chr1-6148976-C-G. GRCh37 (hg19) VCF-style: chr1-6209036-C-G.
Other names: short protein forms V421L.
Identifiers: ClinVar variation 4849637 (VCV004849637.2).

ClinVar aggregate classification (germline): Uncertain significance. Review status: criteria provided, multiple submitters, no conflicts (2 of 4 stars). 2 submissions from 2 submitters: Uncertain significance (2). Last evaluated 2026-08-01.

Conditions:
Parenti-mignot neurodevelopmental syndrome. Identifiers: MedGen C5676984, MONDO:0859249, OMIM 619873.

gnomAD v4.1: 1 of 1,607,572 alleles (0.000062%); highest among the groups gnomAD compares: South Asian, 0.0011%; no homozygotes.

Submissions (2):

CeGaT Center for Human Genetics Tuebingen
Classification: Uncertain significance. Last evaluated: 2026-08-01. Review status: criteria provided, single submitter. Criteria: CeGaT Center For Human Genetics Tuebingen Variant Classification Criteria Version 2. Collection method: clinical testing. Allele origin: germline. Affected: yes. Observed: 1 variant allele.
Comment: CHD5: PM2, PP3

MVZ Martinsried, Medicover Genetics
Classification: Uncertain significance for Parenti-mignot neurodevelopmental syndrome. Last evaluated: 2026-01-22. Review status: criteria provided, single submitter. Criteria: ClinGen Variant Curation SOP V3.2 + Classification Guidance July2025. Collection method: clinical testing. Allele origin: inherited. Affected: yes. Observed: 1 heterozygote.